The following is an entry in ClinVar:

NM_001142864.4(PIEZO1):c.4713C>T (p.Ser1571=)

Gene: PIEZO1 (piezo type mechanosensitive ion channel component 1 (Er blood group); minus strand). Cytogenetic location: 16q24.3.
Variant type: single nucleotide variant.
Coding change: c.4713C>T on transcript NM_001142864.4 (MANE Select); coding-DNA position 4713, C replaced by T.
Protein change: p.Ser1571=; no amino-acid change (serine 1571 retained).
Molecular consequence: synonymous variant.
Genome position (GRCh38, 1-based): chr16:88,722,645, G>A on the plus strand (C>T on the coding strand, the complement: PIEZO1 is on the minus strand). VCF-style: chr16-88722645-G-A. GRCh37 (hg19) VCF-style: chr16-88789053-G-A.
Identifiers: ClinVar variation 747346 (VCV000747346.7), dbSNP rs564248341, ClinGen allele CA286409909.

ClinVar aggregate classification (germline): Likely benign. Review status: criteria provided, multiple submitters, no conflicts (2 of 4 stars). 3 submissions from 3 submitters: Likely benign (2). 1 of the submissions does not count toward it. Last evaluated 2024-08-16.

Conditions:
PIEZO1-related disorder. Also called: PIEZO1-related condition; PIEZO1-Related Disorders.

Allele frequency attached by ClinVar (database versions not stated): 1000 Genomes Project 30x 0.00016; 1000 Genomes Project 0.00020; TOPMed 0.00006.
gnomAD v4.1: 251 of 1,538,628 alleles (0.016%); highest among the groups gnomAD compares: Non-Finnish European, 0.021%; no homozygotes.

Submissions (3):

ARUP Laboratories, Molecular Genetics and Genomics, ARUP Laboratories
Classification: Likely benign. Last evaluated: 2024-08-16. Review status: criteria provided, single submitter. Criteria: ARUP Molecular Germline Variant Investigation Process 2024. Collection method: clinical testing. Allele origin: germline.

Labcorp Genetics (formerly Invitae), Labcorp
Classification: Likely benign. Last evaluated: 2019-12-31. Review status: criteria provided, single submitter. Criteria: Invitae Variant Classification Sherloc (09022015). Collection method: clinical testing. Allele origin: germline.

PreventionGenetics, part of Exact Sciences
Classification: Likely benign for PIEZO1-related condition. Last evaluated: 2023-10-11. Review status: no assertion criteria provided. Collection method: clinical testing. Allele origin: germline. Not counted in ClinVar's aggregate classification.
Comment: This variant is classified as likely benign based on ACMG/AMP sequence variant interpretation guidelines (Richards et al. 2015 PMID: 25741868, with internal and published modifications).